The following is an entry in ClinVar:

NM_032043.3(BRIP1):c.1153C>T (p.Leu385=)

Gene: BRIP1 (BRCA1 interacting DNA helicase 1; minus strand). Cytogenetic location: 17q23.2.
Variant type: single nucleotide variant.
Coding change: c.1153C>T on transcript NM_032043.3 (MANE Select); coding-DNA position 1153, C replaced by T.
Protein change: p.Leu385=; no amino-acid change (leucine 385 retained).
Molecular consequence: synonymous variant.
Genome position (GRCh38, 1-based): chr17:61,799,287, G>A on the plus strand (C>T on the coding strand, the complement: BRIP1 is on the minus strand). VCF-style: chr17-61799287-G-A. GRCh37 (hg19) VCF-style: chr17-59876648-G-A.
Identifiers: ClinVar variation 2950995 (VCV002950995.5), dbSNP rs748001678, ClinGen allele CA8690780.
Genomic context (GRCh38, chr17:61,799,287, plus strand): 5'-ATTCCCGAGCACAGTCCTCGATGTTATGAGCTTCATCTAAAATGACAACCTGTTCTTTCA[G>A]ATTTAAATCCATCTATAAGATAAAAGAATTTTCTTGTAAAACATTTGGCAAAATAGATTT-3'
Protein context (NP_114432.2, residues 375-395): AQIRESMDLN[Leu385=]KEQVVILDEA

ClinVar aggregate classification (germline): Benign/Likely benign. Review status: criteria provided, multiple submitters, no conflicts (2 of 4 stars). 3 submissions from 3 submitters: Benign (1); Likely benign (2). Last evaluated 2025-04-14.

Conditions:
Hereditary cancer-predisposing syndrome. Also called: Hereditary neoplastic syndrome; Neoplastic Syndromes, Hereditary; Tumor predisposition; Hereditary Cancer Syndrome. Identifiers: Orphanet 140162, MedGen C0027672, MeSH D009386, MONDO:0015356.
Familial cancer of breast. Also called: BREAST CANCER, FAMILIAL; Hereditary breast cancer; hereditary breast carcinoma. Identifiers: Orphanet 227535, MedGen C0346153, MONDO:0016419, OMIM 114480. Disease mechanism: loss of function.
Fanconi anemia complementation group J. Also called: BRIP1-Related Fanconi Anemia. Identifiers: Orphanet 84, MedGen C1836860, MONDO:0012187, OMIM 609054.

Allele frequency attached by ClinVar (database versions not stated): ExAC 0.00001.
gnomAD v4.1: 3 of 1,611,828 alleles (0.00019%); highest among the groups gnomAD compares: South Asian, 0.0022%; no homozygotes.

Submissions (3):

Color Diagnostics, LLC DBA Color Health
Classification: Likely benign for Hereditary cancer-predisposing syndrome. Last evaluated: 2025-04-14. Review status: criteria provided, single submitter. Criteria: ACMG Guidelines, 2015. Collection method: clinical testing. Allele origin: germline.

Myriad Genetics, Inc.
Classification: Benign for Familial cancer of breast. Last evaluated: 2024-08-26. Review status: criteria provided, single submitter. Criteria: Myriad Autosomal Dominant, Autosomal Recessive and X-Linked Classification Criteria (2023). Collection method: clinical testing. Allele origin: unknown.
Comment: This variant is considered benign. This variant is a silent/synonymous amino acid change and it is not expected to impact splicing.

Labcorp Genetics (formerly Invitae), Labcorp
Classification: Likely benign for Familial cancer of breast; Fanconi anemia complementation group J. Last evaluated: 2023-08-16. Review status: criteria provided, single submitter. Criteria: Invitae Variant Classification Sherloc (09022015). Collection method: clinical testing. Allele origin: germline.